The following is an entry in ClinVar:

NM_004944.4(DNASE1L3):c.433+6A>T

Gene: DNASE1L3 (deoxyribonuclease 1L3; minus strand). Cytogenetic location: 3p14.3.
Variant type: single nucleotide variant.
Coding change: c.433+6A>T on transcript NM_004944.4 (MANE Select); 6 bases into the intron after coding-DNA position 433, A replaced by T.
Molecular consequence: intron variant.
Genome position (GRCh38, 1-based): chr3:58,204,763, T>A on the plus strand (A>T on the coding strand, the complement: DNASE1L3 is on the minus strand). VCF-style: chr3-58204763-T-A. GRCh37 (hg19) VCF-style: chr3-58190490-T-A.
Other names: c.343+6A>T (NM_001256560.2).
Identifiers: ClinVar variation 1392197 (VCV001392197.4), dbSNP rs144278541, ClinGen allele CA2470016.
Genomic context (GRCh38, chr3:58,204,763, plus strand): 5'-CAAGGCTGCTGCGCATTCATGGGCCGTTGGGGAGGTCCCAGACAGAAAGGCCTGTGTGGG[T>A]CTTACCAGTGTGGGGAGATTGGAACCAGACCACAAAGGGCTCCCTGGAAAACACATCTGC-3'

ClinVar aggregate classification (germline): Uncertain significance (1 of 4 stars; one submission).

Allele frequency attached by ClinVar (database versions not stated): gnomAD exomes 0.00002; ExAC 0.00003; TOPMed 0.00006; gnomAD 0.00009 and 0.00012; ESP Exome Variant Server 0.00015.

Submission:

Labcorp Genetics (formerly Invitae), Labcorp
Classification: Uncertain significance. Last evaluated: 2024-11-18. Review status: criteria provided, single submitter. Criteria: Invitae Variant Classification Sherloc (09022015). Collection method: clinical testing. Allele origin: germline.
Comment: This sequence change falls in intron 4 of the DNASE1L3 gene. It does not directly change the encoded amino acid sequence of the DNASE1L3 protein. It affects a nucleotide within the consensus splice site. This variant is present in population databases (rs144278541, gnomAD 0.02%). This variant has not been reported in the literature in individuals affected with DNASE1L3-related conditions. ClinVar contains an entry for this variant (Variation ID: 1392197). Variants that disrupt the consensus splice site are a relatively common cause of aberrant splicing (PMID: 17576681, 9536098). Algorithms developed to predict the effect of sequence changes on RNA splicing suggest that this variant is not likely to affect RNA splicing. In summary, the available evidence is currently insufficient to determine the role of this variant in disease. Therefore, it has been classified as a Variant of Uncertain Significance.

Literature cited by the submitters: PubMed 17576681; PubMed 9536098.